The following is an entry in ClinVar:

ClinVar aggregate classification (germline): Uncertain significance (1 of 4 stars; one submission).

Submission:

Dasa
Classification: Uncertain significance. Last evaluated: 2024-12-30. Review status: criteria provided, single submitter. Criteria: DASA Assertion Criteria. Collection method: clinical testing. Allele origin: germline.
Comment: NM_001320893.1(DNMT3A):c.65dup (p.Leu22Phefs*42) is a frameshift variant in DNMT3A predicted to alter the reading frame and introduce a premature termination codon. This variant is absent from population databases. The currently available literature and clinical evidence are not sufficient to establish a definitive association between this variant and the reported condition. Therefore, this variant is classified as a variant of uncertain significance.

NM_022552.5(DNMT3A):c.640-3778dup

Gene: DNMT3A (DNA methyltransferase 3 alpha; minus strand). Cytogenetic location: 2p23.3.
Variant type: Duplication.
Coding change: c.640-3778dup on transcript NM_022552.5 (MANE Select); 3778 bases into the intron before coding-DNA position 640, one base duplicated (T; older notation c.640-3778dupT).
Molecular consequence: intron variant. On other transcripts: frameshift variant (1).
Genome position (GRCh38, 1-based): chr2:25,252,030, A duplicated on the plus strand (T on the coding strand, the reverse complement: DNMT3A is on the minus strand); the first of 2 consecutive A bases (chr2:25,252,030-25,252,031); duplicating either gives the same sequence. VCF-style (leftmost placement, unchanged base first): chr2-25252029-T-TA. GRCh37 (hg19) VCF-style: chr2-25474898-T-TA.
Other names: c.65dup, p.Leu22fs (NM_001320893.1); c.640-3778dup (NM_175629.2); c.4+164dup (NM_153759.3); c.-31+164dup (NM_001375819.1); short protein forms L22fs.
Identifiers: ClinVar variation 4883885 (VCV004883885.2).